The following is an entry in ClinVar:

ClinVar aggregate classification (germline): Uncertain significance (1 of 4 stars; one submission).

gnomAD v4.1: 7 of 1,613,824 alleles (0.00043%); highest among the groups gnomAD compares: African/African-American, 0.0093%; no homozygotes.

Submission:

GeneDx
Classification: Uncertain significance. Last evaluated: 2023-05-19. Review status: criteria provided, single submitter. Criteria: GeneDx Variant Classification Process June 2021. Collection method: clinical testing. Allele origin: germline. Affected: yes.
Comment: In silico analysis supports that this missense variant has a deleterious effect on protein structure/function; Has not been previously published as pathogenic or benign to our knowledge

NM_002473.6(MYH9):c.3437C>G (p.Thr1146Arg)

Gene: MYH9 (myosin heavy chain 9; minus strand). Cytogenetic location: 22q12.3.
Variant type: single nucleotide variant.
Coding change: c.3437C>G on transcript NM_002473.6 (MANE Select); coding-DNA position 3437, C replaced by G.
Protein change: p.Thr1146Arg; replaces threonine 1146 with arginine.
Molecular consequence: missense variant.
Genome position (GRCh38, 1-based): chr22:36,295,553, G>C on the plus strand (C>G on the coding strand, the complement: MYH9 is on the minus strand). VCF-style: chr22-36295553-G-C. GRCh37 (hg19) VCF-style: chr22-36691599-G-C.
Other names: short protein forms T1146R.
Identifiers: ClinVar variation 3343390 (VCV003343390.1).